The following is an entry in ClinVar:

ClinVar aggregate classification (germline): Uncertain significance (0 of 4 stars; one submission).

Conditions:
ANKRD26-related disorder. Also called: ANKRD26-related condition.

Submission:

PreventionGenetics, part of Exact Sciences
Classification: Uncertain significance for ANKRD26-related condition. Last evaluated: 2024-02-29. Review status: no assertion criteria provided. Collection method: clinical testing. Allele origin: germline.
Comment: The ANKRD26 c.2674G>T variant is predicted to result in the amino acid substitution p.Ala892Ser. To our knowledge, this variant has not been reported in the literature or in a large population database, indicating this variant is rare. At this time, the clinical significance of this variant is uncertain due to the absence of conclusive functional and genetic evidence.

NM_014915.3(ANKRD26):c.2674G>T (p.Ala892Ser)

Gene: ANKRD26 (ankyrin repeat domain containing 26; minus strand). Cytogenetic location: 10p12.1.
Variant type: single nucleotide variant.
Coding change: c.2674G>T on transcript NM_014915.3 (MANE Select); coding-DNA position 2674, G replaced by T.
Protein change: p.Ala892Ser; replaces alanine 892 with serine.
Molecular consequence: missense variant.
Genome position (GRCh38, 1-based): chr10:27,037,209, C>A on the plus strand (G>T on the coding strand, the complement: ANKRD26 is on the minus strand). VCF-style: chr10-27037209-C-A. GRCh37 (hg19) VCF-style: chr10-27326138-C-A.
Other names: c.2671G>T, p.Ala891Ser (NM_001256053.2); short protein forms A891S, A892S.
Identifiers: ClinVar variation 3061100 (VCV003061100.2), dbSNP rs752319465, ClinGen allele CA376366217.
Genomic context (GRCh38, chr10:27,037,209, plus strand): 5'-ACACATATTTGAAAATGACTAAAGGAAATAGAAATACCTCAGAATTCATTTTCTTTTGAG[C>A]CATTTCAATCTCCTTTTGTTTGGAAAGGTGATTGGTCAGAATTCCATCTTGTAACATTCT-3'
Protein context (NP_055730.2, residues 882-902): HLSKQKEIEM[Ala892Ser]QKKMNSENSH